The following is an entry in ClinVar:

ClinVar aggregate classification (germline): Likely benign. Review status: criteria provided, multiple submitters, no conflicts (2 of 4 stars). 3 submissions from 3 submitters: Likely benign (3). Last evaluated 2026-01-19.

Conditions:
Dyskeratosis congenita. Identifiers: Orphanet 1775, MedGen C0265965, MONDO:0015780.

Allele frequency attached by ClinVar (database versions not stated): gnomAD exomes 0.00001; ExAC 0.00002; gnomAD 0.00003; TOPMed 0.00003.
gnomAD v4.1: 28 of 1,614,170 alleles (0.0017%); highest among the groups gnomAD compares: Middle Eastern, 0.033%; no homozygotes.

Submissions (3):

Labcorp Genetics (formerly Invitae), Labcorp
Classification: Likely benign for Dyskeratosis congenita. Last evaluated: 2026-01-19. Review status: criteria provided, single submitter. Criteria: Invitae Variant Classification Sherloc (09022015). Collection method: clinical testing. Allele origin: germline.

CeGaT Center for Human Genetics Tuebingen
Classification: Likely benign. Last evaluated: 2024-08-01. Review status: criteria provided, single submitter. Criteria: CeGaT Center For Human Genetics Tuebingen Variant Classification Criteria Version 2. Collection method: clinical testing. Allele origin: germline. Affected: yes. Observed: 1 variant allele.
Comment: CTC1: BP4, BP7

Blueprint Genetics
Classification: Likely benign. Last evaluated: 2023-05-17. Review status: criteria provided, single submitter. Criteria: ACMG Guidelines, 2015. Collection method: clinical testing. Allele origin: germline.

NM_025099.6(CTC1):c.1344C>T (p.Tyr448=)

Gene: CTC1 (CST telomere replication complex component 1; minus strand). Cytogenetic location: 17p13.1.
Variant type: single nucleotide variant.
Coding change: c.1344C>T on transcript NM_025099.6 (MANE Select); coding-DNA position 1344, C replaced by T.
Protein change: p.Tyr448=; no amino-acid change (tyrosine 448 retained).
Molecular consequence: synonymous variant. On other transcripts: non-coding transcript variant (1).
Genome position (GRCh38, 1-based): chr17:8,235,148, G>A on the plus strand (C>T on the coding strand, the complement: CTC1 is on the minus strand). VCF-style: chr17-8235148-G-A. GRCh37 (hg19) VCF-style: chr17-8138466-G-A.
Identifiers: ClinVar variation 696991 (VCV000696991.25), dbSNP rs758414171, ClinGen allele CA8372379.